The following is an entry in ClinVar:

ClinVar aggregate classification (germline): Uncertain significance (1 of 4 stars; one submission).

Allele frequency attached by ClinVar (database versions not stated): gnomAD exomes below 0.00001; TOPMed below 0.00001; ExAC 0.00001; gnomAD 0.00001.
gnomAD v4.1: 20 of 1,613,748 alleles (0.0012%); highest among the groups gnomAD compares: Middle Eastern, 0.016%; no homozygotes.

Submission:

Labcorp Genetics (formerly Invitae), Labcorp
Classification: Uncertain significance. Last evaluated: 2021-08-14. Review status: criteria provided, single submitter. Criteria: Invitae Variant Classification Sherloc (09022015). Collection method: clinical testing. Allele origin: germline.
Comment: This sequence change replaces alanine with threonine at codon 285 of the NPR3 protein (p.Ala285Thr). The alanine residue is moderately conserved and there is a small physicochemical difference between alanine and threonine. This variant is present in population databases (rs767132770, ExAC 0.001%). This variant has not been reported in the literature in individuals affected with NPR3-related conditions. Algorithms developed to predict the effect of missense changes on protein structure and function are either unavailable or do not agree on the potential impact of this missense change (SIFT: "Tolerated"; PolyPhen-2: "Possibly Damaging"; Align-GVGD: "Class C0"). In summary, the available evidence is currently insufficient to determine the role of this variant in disease. Therefore, it has been classified as a Variant of Uncertain Significance.

NM_001204375.2(NPR3):c.853G>A (p.Ala285Thr)

Gene: NPR3 (natriuretic peptide receptor 3; plus strand). Cytogenetic location: 5p13.3.
Variant type: single nucleotide variant.
Coding change: c.853G>A on transcript NM_001204375.2 (MANE Select); coding-DNA position 853, G replaced by A.
Protein change: p.Ala285Thr; replaces alanine 285 with threonine.
Molecular consequence: missense variant. On other transcripts: intron variant (1).
Genome position (GRCh38, 1-based): chr5:32,724,781, G>A. VCF-style: chr5-32724781-G-A. GRCh37 (hg19) VCF-style: chr5-32724887-G-A.
Other names: c.853G>A, p.Ala285Thr (NM_000908.4); c.205G>A, p.Ala69Thr (NM_001204376.2, NM_001363652.2); c.133G>A, p.Ala45Thr (NM_001364458.2); c.121+13998G>A (NM_001364460.2); short protein forms A45T, A285T, A69T.
Identifiers: ClinVar variation 1465756 (VCV001465756.5), dbSNP rs767132770, ClinGen allele CA3222478.